The following is an entry in ClinVar:

ClinVar aggregate classification (germline): Uncertain significance (1 of 4 stars; one submission).

Submission:

Mayo Clinic Laboratories, Mayo Clinic
Classification: Uncertain significance. Last evaluated: 2024-03-01. Review status: criteria provided, single submitter. Criteria: ACMG Guidelines, 2015. Collection method: clinical testing. Allele origin: germline. Observed: 1 variant allele.
Comment: PM2_moderate

NM_000037.4(ANK1):c.4104+4A>G

Gene: ANK1 (ankyrin 1; minus strand). Cytogenetic location: 8p11.21.
Variant type: single nucleotide variant.
Coding change: c.4104+4A>G on transcript NM_000037.4 (MANE Select); 4 bases into the intron after coding-DNA position 4104, A replaced by G.
Molecular consequence: intron variant.
Genome position (GRCh38, 1-based): chr8:41,690,223, T>C on the plus strand (A>G on the coding strand, the complement: ANK1 is on the minus strand). VCF-style: chr8-41690223-T-C. GRCh37 (hg19) VCF-style: chr8-41547741-T-C.
Other names: p.?; c.4227+4A>G (NM_001142446.2); c.4104+4A>G (NM_020477.3, NM_020475.3, NM_020476.3).
Identifiers: ClinVar variation 3379810 (VCV003379810.1).